The following is an entry in ClinVar:

NM_004168.4(SDHA):c.488C>A (p.Thr163Asn)

Gene: SDHA (succinate dehydrogenase complex flavoprotein subunit A; plus strand). Cytogenetic location: 5p15.33.
Variant type: single nucleotide variant.
Coding change: c.488C>A on transcript NM_004168.4 (MANE Select); coding-DNA position 488, C replaced by A.
Protein change: p.Thr163Asn; replaces threonine 163 with asparagine.
Molecular consequence: missense variant.
Genome position (GRCh38, 1-based): chr5:225,914, C>A. VCF-style: chr5-225914-C-A. GRCh37 (hg19) VCF-style: chr5-226029-C-A.
Other names: c.488C>A (NM_004168.2); c.344C>A, p.Thr115Asn (NM_001294332.2); c.488C>A, p.Thr163Asn (NM_001330758.2); short protein forms T115N, T163N.
Identifiers: ClinVar variation 1468607 (VCV001468607.9), dbSNP rs375067326, ClinGen allele CA359009979.
Genomic context (GRCh38, chr5:225,914, plus strand): 5'-AGGTTTTTGTTTGTTTTTATCTTTCACAGCTAGAAAATTATGGCATGCCGTTTAGCAGAA[C>A]TGAAGATGGGAAGATTTATCAGCGTGCATTTGGTGGACAGAGCCTCAAGTTTGGAAAGGG-3'
Protein context (NP_004159.2, residues 153-173): LENYGMPFSR[Thr163Asn]EDGKIYQRAF

ClinVar aggregate classification (germline): Uncertain significance. Review status: criteria provided, multiple submitters, no conflicts (2 of 4 stars). 2 submissions from 2 submitters: Uncertain significance (2). Last evaluated 2024-01-08.

Conditions:
Mitochondrial complex II deficiency, nuclear type 1. Also called: SUCCINATE CoQ REDUCTASE DEFICIENCY. Identifiers: Orphanet 3208, MedGen C5700310, MONDO:0100294, OMIM 252011.
Pheochromocytoma/paraganglioma syndrome 5. Also called: Paragangliomas 5; SDHA-Related Hereditary Paraganglioma-Pheochromocytoma Syndrome. Identifiers: Orphanet 29072, MedGen C3279992, MONDO:0013602, OMIM 614165.

Submissions (2):

GeneDx
Classification: Uncertain significance. Last evaluated: 2024-01-08. Review status: criteria provided, single submitter. Criteria: GeneDx Variant Classification Process June 2021. Collection method: clinical testing. Allele origin: germline. Affected: yes.
Comment: Not observed at significant frequency in large population cohorts (gnomAD); In silico analysis supports that this missense variant has a deleterious effect on protein structure/function; Has not been previously published as pathogenic or benign to our knowledge

Labcorp Genetics (formerly Invitae), Labcorp
Classification: Uncertain significance for Pheochromocytoma/paraganglioma syndrome 5; Mitochondrial complex II deficiency, nuclear type 1. Last evaluated: 2021-01-19. Review status: criteria provided, single submitter. Criteria: Invitae Variant Classification Sherloc (09022015). Collection method: clinical testing. Allele origin: germline.
Comment: In summary, the available evidence is currently insufficient to determine the role of this variant in disease. Therefore, it has been classified as a Variant of Uncertain Significance. Advanced modeling of protein sequence and biophysical properties (such as structural, functional, and spatial information, amino acid conservation, physicochemical variation, residue mobility, and thermodynamic stability) performed at Invitae indicates that this missense variant is not expected to disrupt SDHA protein function. This variant has not been reported in the literature in individuals with SDHA-related conditions. This variant is not present in population databases (ExAC no frequency). This sequence change replaces threonine with asparagine at codon 163 of the SDHA protein (p.Thr163Asn). The threonine residue is highly conserved and there is a small physicochemical difference between threonine and asparagine.